The following is an entry in ClinVar:

NM_153717.3(EVC):c.657del (p.Asp220fs)

Gene: EVC (EvC ciliary complex subunit 1; plus strand). Cytogenetic location: 4p16.2.
Variant type: Deletion.
Coding change: c.657del on transcript NM_153717.3 (MANE Select); coding-DNA position 657, one base deleted (A; older notation c.657delA).
Protein change: p.Asp220fs; shifts the reading frame from aspartic acid 220.
Molecular consequence: frameshift variant.
Genome position (GRCh38, 1-based): chr4:5,733,390, A deleted; the last of 4 consecutive A bases (chr4:5,733,387-5,733,390); deleting any one gives the same sequence. VCF-style (leftmost placement, unchanged base first): chr4-5733386-TA-T. GRCh37 (hg19) VCF-style: chr4-5735113-TA-T.
Other names: c.657del, p.Asp220fs (NM_001306090.2, NM_001306092.2); short protein forms D220fs.
Identifiers: ClinVar variation 5012781 (VCV005012781.1).

ClinVar aggregate classification (germline): Pathogenic (1 of 4 stars; one submission).

Conditions:
Ellis-van Creveld syndrome (EVC). Also called: MESOECTODERMAL DYSPLASIA; Chondroectodermal dysplasia. Identifiers: Orphanet 289, MedGen C0013903, MONDO:0009162, OMIM 225500.

Submission:

Myriad Genetics, Inc.
Classification: Pathogenic for Ellis-van Creveld syndrome. Last evaluated: 2024-02-27. Review status: criteria provided, single submitter. Criteria: Myriad Autosomal Dominant, Autosomal Recessive and X-Linked Classification Criteria (2023). Collection method: clinical testing. Allele origin: unknown.
Comment: NM_153717.2(EVC):c.657delA(D220Tfs*9) is expected to be pathogenic in the context of EVC-related Ellis-van Creveld syndrome. This variant is predicted to lead to an abnormal or absent protein product due to the creation of a premature termination codon in EVC, a gene where loss-of-function variants are known to be pathogenic. Please note: this variant was assessed in the context of healthy population screening.